The following is an entry in ClinVar:

NM_000245.4(MET):c.1666T>A (p.Trp556Arg)

Gene: MET (MET proto-oncogene, receptor tyrosine kinase; plus strand). Cytogenetic location: 7q31.2.
Variant type: single nucleotide variant.
Coding change: c.1666T>A on transcript NM_000245.4 (MANE Select); coding-DNA position 1666, T replaced by A.
Protein change: p.Trp556Arg; replaces tryptophan 556 with arginine.
Molecular consequence: missense variant.
Genome position (GRCh38, 1-based): chr7:116,740,990, T>A. VCF-style: chr7-116740990-T-A. GRCh37 (hg19) VCF-style: chr7-116381044-T-A.
Other names: c.1666T>A, p.Trp556Arg (NM_001127500.3, NM_001324401.3); c.376T>A, p.Trp126Arg (NM_001324402.2); short protein forms W556R, W126R.
Identifiers: ClinVar variation 3872369 (VCV003872369.1).

ClinVar aggregate classification (germline): Uncertain significance (1 of 4 stars; one submission).

Conditions:
Hereditary cancer-predisposing syndrome. Also called: Tumor predisposition; Neoplastic Syndromes, Hereditary; Hereditary Cancer Syndrome; Hereditary neoplastic syndrome. Identifiers: Orphanet 140162, MedGen C0027672, MeSH D009386, MONDO:0015356.

Submission:

Ambry Genetics
Classification: Uncertain significance for Hereditary cancer-predisposing syndrome. Last evaluated: 2025-01-17. Review status: criteria provided, single submitter. Criteria: Ambry Variant Classification Scheme 2023. Collection method: clinical testing. Allele origin: germline.
Comment: The p.W556R variant (also known as c.1666T>A), located in coding exon 4 of the MET gene, results from a T to A substitution at nucleotide position 1666. The tryptophan at codon 556 is replaced by arginine, an amino acid with dissimilar properties. This amino acid position is conserved. In addition, the in silico prediction for this alteration is inconclusive. Based on the available evidence, the clinical significance of this variant remains unclear.